The following is an entry in ClinVar:

NM_001939.3(DRP2):c.1960A>G (p.Met654Val)

Gene: DRP2 (dystrophin related protein 2; plus strand). Cytogenetic location: Xq22.1.
Variant type: single nucleotide variant.
Coding change: c.1960A>G on transcript NM_001939.3 (MANE Select); coding-DNA position 1960, A replaced by G.
Protein change: p.Met654Val; replaces methionine 654 with valine.
Molecular consequence: missense variant.
Genome position (GRCh38, 1-based): chrX:101,252,699, A>G. VCF-style: chrX-101252699-A-G. GRCh37 (hg19) VCF-style: chrX-100507688-A-G.
Other names: c.1726A>G, p.Met576Val (NM_001171184.2); short protein forms M576V, M654V.
Identifiers: ClinVar variation 2833669 (VCV002833669.3), dbSNP rs1923181470, ClinGen allele CA413933541.

ClinVar aggregate classification (germline): Uncertain significance (1 of 4 stars; one submission).

Submission:

Labcorp Genetics (formerly Invitae), Labcorp
Classification: Uncertain significance. Last evaluated: 2024-01-13. Review status: criteria provided, single submitter. Criteria: Invitae Variant Classification Sherloc (09022015). Collection method: clinical testing. Allele origin: germline.
Comment: This sequence change replaces methionine, which is neutral and non-polar, with valine, which is neutral and non-polar, at codon 654 of the DRP2 protein (p.Met654Val). This variant is not present in population databases (gnomAD no frequency). This variant has not been reported in the literature in individuals affected with DRP2-related conditions. An algorithm developed to predict the effect of missense changes on protein structure and function (PolyPhen-2) suggests that this variant is likely to be tolerated. In summary, the available evidence is currently insufficient to determine the role of this variant in disease. Therefore, it has been classified as a Variant of Uncertain Significance.